The following is an entry in ClinVar:

NM_033061.4(KRTAP4-7):c.222C>T (p.Cys74=)

Gene: KRTAP4-7 (keratin associated protein 4-7; plus strand). Cytogenetic location: 17q21.2.
Variant type: single nucleotide variant.
Coding change: c.222C>T on transcript NM_033061.4 (MANE Select); coding-DNA position 222, C replaced by T.
Protein change: p.Cys74=; no amino-acid change (cysteine 74 retained).
Molecular consequence: synonymous variant.
Genome position (GRCh38, 1-based): chr17:41,084,428, C>T. VCF-style: chr17-41084428-C-T. GRCh37 (hg19) VCF-style: chr17-39240680-C-T.
Identifiers: ClinVar variation 3341590 (VCV003341590.16).
Genomic context (GRCh38, chr17:41,084,428, plus strand): 5'-CTGCCAGTCTGTGTGCTGCCAACCCACCTGCTGTCGCCCCACCTGCTGTGAGACGACCTG[C>T]TGCCACCCTAGGTGCTGCATCTCCAGCTGCTGCCGCCCCAGCTGCTGTATGTCCAGCTGC-3'
Protein context (NP_149050.3, residues 64-84): CCRPTCCETT[Cys74=]CHPRCCISSC

ClinVar aggregate classification (germline): Likely benign (1 of 4 stars; one submission).

gnomAD v4.1: 6,853 of 1,419,176 alleles (0.48%); highest among the groups gnomAD compares: Non-Finnish European, 0.6%; 24 homozygotes.

Submission:

CeGaT Center for Human Genetics Tuebingen
Classification: Likely benign. Last evaluated: 2024-08-01. Review status: criteria provided, single submitter. Criteria: CeGaT Center For Human Genetics Tuebingen Variant Classification Criteria Version 2. Collection method: clinical testing. Allele origin: germline. Affected: yes. Observed: 1 variant allele.
Comment: KRTAP4-7: BP4, BP7, BS2